The following is an entry in ClinVar:

NM_174936.4(PCSK9):c.799+3A>G

Gene: PCSK9 (proprotein convertase subtilisin/kexin type 9; plus strand). Cytogenetic location: 1p32.3.
Variant type: single nucleotide variant.
Coding change: c.799+3A>G on transcript NM_174936.4 (MANE Select); 3 bases into the intron after coding-DNA position 799, A replaced by G.
Molecular consequence: intron variant.
Genome position (GRCh38, 1-based): chr1:55,052,794, A>G. VCF-style: chr1-55052794-A-G. GRCh37 (hg19) VCF-style: chr1-55518467-A-G.
Other names: p.?.
Identifiers: ClinVar variation 262908 (VCV000262908.28), dbSNP rs2495477, ClinGen allele CA044592.

ClinVar aggregate classification (germline): Benign. Review status: criteria provided, multiple submitters, no conflicts (2 of 4 stars). 19 submissions from 18 submitters: Benign (15). 4 of the submissions do not count toward it. Last evaluated 2026-02-04.

Conditions:
Cardiovascular phenotype. Identifiers: MedGen CN230736.
Familial hypercholesterolemia. Also called: Familial hypercholesterolemias; Familial hypercholesterolaemia. Identifiers: MedGen C0020445, MONDO:0005439.
Hypobetalipoproteinemia. Identifiers: Orphanet 31154, MedGen C0020597, MONDO:0017774.
Hypercholesterolemia, familial, 1. Also called: HYPERCHOLESTEROLEMIA, FAMILIAL, MODIFIER OF; LDL RECEPTOR DISORDER; Hyperlipoproteinemia Type IIa; HYPER-LOW-DENSITY-LIPOPROTEINEMIA; HYPERCHOLESTEROLEMIC XANTHOMATOSIS, FAMILIAL; Fredrickson type IIa hyperlipoproteinemia. Identifiers: Orphanet 391665, MedGen C0745103, MONDO:0007750, OMIM 143890.
Hypercholesterolemia, autosomal dominant, 3 (FHCL3). Also called: Familial Hypercholesterolemia, Autosomal Dominant, 3; Familial hypercholesterolemia 3; PCSK9-Related Familial Hypercholesterolemia, Autosomal Dominant. Identifiers: MedGen C1863551, MONDO:0011369, OMIM 603776.

Allele frequency attached by ClinVar (database versions not stated): gnomAD exomes 0.40813 and 0.41850; ExAC 0.43115; 1000 Genomes Project 0.46625; 1000 Genomes Project 30x 0.47189; TOPMed 0.48426; gnomAD 0.48621 and 0.49156; ESP Exome Variant Server 0.50415.
gnomAD v4.1: 670,680 of 1,612,790 alleles (42%); highest among the groups gnomAD compares: African/African-American, 72%; 144,840 homozygotes.

Submissions (19):

Labcorp Genetics (formerly Invitae), Labcorp
Classification: Benign for Hypercholesterolemia, autosomal dominant, 3. Last evaluated: 2026-02-04. Review status: criteria provided, single submitter. Criteria: Invitae Variant Classification Sherloc (09022015). Collection method: clinical testing. Allele origin: germline.

Molecular Diagnostic Laboratory for Inherited Cardiovascular Disease, Montreal Heart Institute
Classification: Benign. Last evaluated: 2025-04-09. Review status: criteria provided, single submitter. Criteria: ACMG Guidelines, 2015. Collection method: clinical testing. Allele origin: germline. Affected: no.

Blueprint Genetics
Classification: Benign. Last evaluated: 2024-11-26. Review status: criteria provided, single submitter. Criteria: ACMG Guidelines, 2015. Collection method: clinical testing. Allele origin: germline.

Genome-Nilou Lab
Classification: Benign for Hypercholesterolemia, autosomal dominant, 3. Last evaluated: 2023-04-11. Review status: criteria provided, single submitter. Criteria: ACMG Guidelines, 2015. Collection method: clinical testing. Allele origin: germline. Affected: no.

GENinCode PLC
Classification: Benign for Familial hypercholesterolemia. Last evaluated: 2022-07-01. Review status: criteria provided, single submitter. Criteria: ACMG Guidelines, 2015. Collection method: clinical testing. Allele origin: germline.

Illumina Laboratory Services, Illumina
Classification: Benign for Hypobetalipoproteinemia. Last evaluated: 2018-01-12. Review status: criteria provided, single submitter. Criteria: ICSL Variant Classification Criteria 13 December 2019. Collection method: clinical testing. Allele origin: germline.
Comment: This variant was observed in the ICSL laboratory as part of a predisposition screen in an ostensibly healthy population. It had not been previously curated by ICSL or reported in the Human Gene Mutation Database (HGMD: prior to June 1st, 2018), and was therefore a candidate for classification through an automated scoring system. Utilizing variant allele frequency, disease prevalence and penetrance estimates, and inheritance mode, an automated score was calculated to assess if this variant is too frequent to cause the disease. Based on the score and internal cut-off values, a variant classified as benign is not then subjected to further curation. The score for this variant resulted in a classification of benign for this disease.

Illumina Laboratory Services, Illumina
Classification: Benign for Hypercholesterolemia, autosomal dominant, 3. Last evaluated: 2018-01-12. Review status: criteria provided, single submitter. Criteria: ICSL Variant Classification Criteria 13 December 2019. Collection method: clinical testing. Allele origin: germline.
Comment: the same text as in the submission from Illumina Laboratory Services, Illumina above.

Color Diagnostics, LLC DBA Color Health
Classification: Benign for Familial hypercholesterolemia. Last evaluated: 2017-06-01. Review status: criteria provided, single submitter. Criteria: ACMG Guidelines, 2015. Collection method: clinical testing. Allele origin: germline.

GeneDx
Classification: Benign. Last evaluated: 2016-09-28. Review status: criteria provided, single submitter. Criteria: GeneDx Variant Classification (06012015). Collection method: clinical testing. Allele origin: germline. Affected: yes.
Comment: This variant is considered likely benign or benign based on one or more of the following criteria: it is a conservative change, it occurs at a poorly conserved position in the protein, it is predicted to be benign by multiple in silico algorithms, and/or has population frequency not consistent with disease.

Cardiovascular Research Group, Instituto Nacional de Saude Doutor Ricardo Jorge
Classification: Benign for Familial hypercholesterolemia. Last evaluated: 2016-03-01. Review status: criteria provided, single submitter. Criteria: ACMG Guidelines, 2015. Collection method: research. Allele origin: germline. Affected: yes.

Iberoamerican FH Network
Classification: Benign for Familial hypercholesterolemia. Last evaluated: 2016-03-01. Review status: criteria provided, single submitter. Criteria: ACMG Guidelines, 2015. Collection method: research. Allele origin: germline.
Comment: Variant present in the database from Mexico

Ambry Genetics
Classification: Benign for Cardiovascular phenotype. Last evaluated: 2015-12-08. Review status: criteria provided, single submitter. Criteria: Ambry Variant Classification Scheme 2023. Collection method: clinical testing. Allele origin: germline.

Mayo Clinic Laboratories, Mayo Clinic
Classification: Benign. Last evaluated: 2014-02-05. Review status: criteria provided, single submitter. Criteria: ACMG Guidelines, 2015. Collection method: clinical testing. Allele origin: germline. Observed: 848 variant alleles.

Breakthrough Genomics
Classification: Benign. Review status: criteria provided, single submitter. Criteria: ACMG Guidelines, 2015. Collection method: not provided. Allele origin: germline. Inheritance: Autosomal dominant inheritance. Affected: yes.

PreventionGenetics, part of Exact Sciences
Classification: Benign. Review status: criteria provided, single submitter. Criteria: ACMG Guidelines, 2015. Collection method: clinical testing. Allele origin: germline.

Cohesion Phenomics
Classification: Benign for Familial hypercholesterolemia. Last evaluated: 2023-02-09. Review status: no assertion criteria provided. Criteria: ACMG Guidelines, 2015. Collection method: clinical testing. Allele origin: germline. Affected: yes. Not counted in ClinVar's aggregate classification.

Clinical Genetics, Academic Medical Center
Classification: Benign. Review status: no assertion criteria provided. Collection method: clinical testing. Allele origin: germline. Affected: yes. Study: VKGL Data-share Consensus. Not counted in ClinVar's aggregate classification.

Diagnostic Laboratory, Department of Genetics, University Medical Center Groningen
Classification: Benign for Hypercholesterolemia, autosomal dominant, 3. Review status: no assertion criteria provided. Collection method: clinical testing. Allele origin: germline. Affected: yes. Study: VKGL Data-share Consensus. Not counted in ClinVar's aggregate classification.

Laboratorium voor Moleculaire Diagnostiek Experimentele Vasculaire Geneeskunde, Academisch Medisch Centrum
Classification: Benign for Familial hypercholesterolemia. Review status: no assertion criteria provided. Collection method: research. Allele origin: germline. Not counted in ClinVar's aggregate classification.